The following is an entry in ClinVar:

NM_017852.5(NLRP2):c.913dup (p.Cys305fs)

Gene: NLRP2 (NLR family pyrin domain containing 2; plus strand). Cytogenetic location: 19q13.42.
Variant type: Duplication.
Coding change: c.913dup on transcript NM_017852.5 (MANE Select); coding-DNA position 913, one base duplicated (T; older notation c.913dupT).
Protein change: p.Cys305fs; shifts the reading frame from cysteine 305.
Molecular consequence: frameshift variant. On other transcripts: non-coding transcript variant (1).
Genome position (GRCh38, 1-based): chr19:54,982,611, T duplicated. VCF-style (leftmost placement, unchanged base first): chr19-54982610-C-CT. GRCh37 (hg19) VCF-style: chr19-55493978-C-CT.
Other names: c.913dup, p.Cys305fs (NM_001174081.3); c.847dup, p.Cys283fs (NM_001174082.3); c.844dup, p.Cys282fs (NM_001174083.2); c.904dup, p.Cys302fs (NM_001348003.2); short protein forms C282fs, C283fs, C302fs, C305fs.
Identifiers: ClinVar variation 3776638 (VCV003776638.1).
Genomic context (GRCh38, chr19:54,982,610, plus strand): 5'-GTTCGTGATTGACGGCTTTGATGAGCTGGGAGCCGCACCTGGGGCGCTGATCGAGGACAT[C>CT]TGCGGGGACTGGGAGAAGAAGAAGCCGGTGCCCGTCCTCCTGGGGAGTTTGCTGAACAGG-3'

ClinVar aggregate classification (germline): Uncertain significance (1 of 4 stars; one submission).

Submission:

GeneDx
Classification: Uncertain significance. Last evaluated: 2024-10-07. Review status: criteria provided, single submitter. Criteria: GeneDx Variant Classification Process June 2021. Collection method: clinical testing. Allele origin: germline. Affected: yes.
Comment: Frameshift variant predicted to result in protein truncation or nonsense mediated decay in a gene or region of a gene for which loss of function is not a well-established mechanism of disease; Has not been previously published as pathogenic or benign to our knowledge